The following is an entry in ClinVar:

NM_032551.5(KISS1R):c.1195T>A (p.Ter399Arg)

Gene: KISS1R (KISS1 receptor; plus strand). Cytogenetic location: 19p13.3.
Variant type: single nucleotide variant.
Coding change: c.1195T>A on transcript NM_032551.5 (MANE Select); coding-DNA position 1195, T replaced by A.
Protein change: p.Ter399Arg.
Molecular consequence: stop lost.
Genome position (GRCh38, 1-based): chr19:920,746, T>A. VCF-style: chr19-920746-T-A. GRCh37 (hg19) VCF-style: chr19-920746-T-A.
Other names: *399R; c.1195T>A (NM_032551.4).
Identifiers: ClinVar variation 5757 (VCV000005757.10), dbSNP rs104894702, ClinGen allele CA130185.

ClinVar aggregate classification (germline): Pathogenic/Likely pathogenic. Review status: criteria provided, multiple submitters, no conflicts (2 of 4 stars). 5 submissions from 5 submitters: Pathogenic (1); Likely pathogenic (3). 1 of the submissions does not count toward it. Last evaluated 2025-07-29.

Conditions:
KISS1R-related disorder. Also called: KISS1R-related condition.
Hypogonadotropic hypogonadism. Also called: Hypogonadotrophic hypogonadism; Isolated hypogonadotropic hypogonadism; Low gonadotropins (secondary hypogonadism); Hypogonadotropic hypogonadism with or without anosmia. Identifiers: Orphanet 432, MedGen C0271623, MONDO:0018555, HP:0000044.
Hypogonadotropic hypogonadism 8 without anosmia. Identifiers: MedGen C4016875.

Allele frequency attached by ClinVar (database versions not stated): TOPMed 0.00005; gnomAD exomes 0.00007; gnomAD 0.00008; ExAC 0.00036.

Submissions (5):

PreventionGenetics, part of Exact Sciences
Classification: Likely pathogenic for KISS1R-related condition. Last evaluated: 2025-07-29. Review status: criteria provided, single submitter. Criteria: ACMG Guidelines, 2015. Collection method: clinical testing. Allele origin: germline.
Comment: The KISS1R c.1195T>A variant is predicted to result in extension of the open reading frame (p.*399Argext*89). This variant is predicted to disrupt the translation stop signal and result in protein extension. This variant has been reported in the homozygous or compound heterozygous state in individuals with hypogonadotropic hypogonadism (Seminara et al. 2003. PubMed ID: 14573733; Brioude et al. 2013. PubMed ID: 23349759; Moalla et al. 2019. PubMed ID: 31073722). This variant is reported in 0.018% of alleles in individuals of European (Finnish) descent in gnomAD. This variant is interpreted as likely pathogenic.

NHS Central & South Genomic Laboratory Hub
Classification: Pathogenic for Hypogonadotropic hypogonadism. Last evaluated: 2024-11-11. Review status: criteria provided, single submitter. Criteria: ACMG Guidelines, 2015. Collection method: clinical testing. Allele origin: germline. Affected: yes.

Labcorp Genetics (formerly Invitae), Labcorp
Classification: Likely pathogenic. Last evaluated: 2024-02-08. Review status: criteria provided, single submitter. Criteria: Invitae Variant Classification Sherloc (09022015). Collection method: clinical testing. Allele origin: germline.
Comment: This sequence change disrupts the translational stop signal of the KISS1R mRNA. It is expected to extend the length of the KISS1R protein by an uncertain number of additional amino acid residues. The frequency data for this variant in the population databases is considered unreliable, as metrics indicate poor data quality at this position in the gnomAD database. This protein extension has been observed in individuals with hypogonadotropic hypogonadism (PMID: 14573733, 23349759, 31073722). It has also been observed to segregate with disease in related individuals. ClinVar contains an entry for this variant (Variation ID: 5757). Algorithms developed to predict the effect of variants on protein structure and function are not available or were not evaluated for this variant. Experimental studies have shown that this protein extension affects KISS1R function (PMID: 14573733). In summary, the currently available evidence indicates that the variant is pathogenic, but additional data are needed to prove that conclusively. Therefore, this variant has been classified as Likely Pathogenic.

GeneDx
Classification: Likely pathogenic. Last evaluated: 2024-01-30. Review status: criteria provided, single submitter. Criteria: GeneDx Variant Classification Process June 2021. Collection method: clinical testing. Allele origin: germline. Affected: yes.
Comment: Stop codon loss and change to an arginine codon, leading to protein extension and the addition of an unknown number of amino acids at the C-terminus, and other similar variants have been reported in HGMD; Published functional studies suggest a damaging effect on ligand-induced inositol production and mRNA stability (PMID: 14573733); This variant is associated with the following publications: (PMID: 30205368, 34970798, 27094476, 20816945, 30339828, 16757106, 23349759, 14573733, 31073722, 26510589)

OMIM
Classification: Pathogenic for HYPOGONADOTROPIC HYPOGONADISM 8 WITHOUT ANOSMIA. Last evaluated: 2013-01-01. Review status: no assertion criteria provided. Collection method: literature only. Allele origin: germline. Not counted in ClinVar's aggregate classification.

Literature cited by the submitters: PubMed 14573733 (cited by Labcorp Genetics (formerly Invitae), Labcorp); PubMed 23349759 (cited by Labcorp Genetics (formerly Invitae), Labcorp and OMIM); PubMed 31073722 (cited by Labcorp Genetics (formerly Invitae), Labcorp); Seminara, S. B., Messager, S., Chatzidaki, E. E., Thresher, R. R., Acierno, J. S., Shagoury, J. K., Bo-Abbas, Y., Kuohung, W., Schwinof, K. M., Hendrick, A. G., Zahn, D., Dixon, J., Kaiser, U. B., Slaugenhaupt, S. A., Gusella, J. F., O'Rahilly, S., Carlton, M. B. L., Crowley, W. F., Jr., Aparicio, S. A. J. R., Colledge, W. H. The GPR54 gene as a regulator of puberty. New Eng. J. Med. 349: 1614-1627, 2003. (cited by OMIM).